The following is an entry in ClinVar:

NM_001197104.2(KMT2A):c.901C>T (p.Arg301Ter)

Gene: KMT2A (lysine methyltransferase 2A; plus strand). Cytogenetic location: 11q23.3.
Variant type: single nucleotide variant.
Coding change: c.901C>T on transcript NM_001197104.2 (MANE Select); coding-DNA position 901, C replaced by T.
Protein change: p.Arg301Ter; replaces arginine 301 with a stop codon.
Molecular consequence: nonsense.
Genome position (GRCh38, 1-based): chr11:118,472,060, C>T. VCF-style: chr11-118472060-C-T. GRCh37 (hg19) VCF-style: chr11-118342775-C-T.
Other names: c.1000C>T, p.Arg334Ter (NM_001412597.1); c.901C>T, p.Arg301Ter (NM_005933.4); short protein forms R301*, R334*.
Identifiers: ClinVar variation 3255013 (VCV003255013.2), dbSNP rs2134259032.

ClinVar aggregate classification (germline): Pathogenic (1 of 4 stars; one submission).

Conditions:
Wiedemann-Steiner syndrome (WDSTS). Also called: Growth deficiency and mental retardation with facial dysmorphism. Identifiers: Orphanet 319182, MedGen C1854630, MONDO:0011518, OMIM 605130.

Submission:

Victorian Clinical Genetics Services, Murdoch Childrens Research Institute
Classification: Pathogenic for Wiedemann-Steiner syndrome. Last evaluated: 2024-09-20. Review status: criteria provided, single submitter. Criteria: ACMG Guidelines, 2015. Collection method: clinical testing. Allele origin: germline. Inheritance: Autosomal dominant inheritance. Affected: yes.
Comment: Based on the classification scheme VCGS_Germline_v1.3.4, this variant is classified as Pathogenic. Following criteria are met: 0102 - Loss of function is a known mechanism of disease in this gene and is associated with Wiedemann-Steiner syndrome (MIM#605130). (I) 0107 - This gene is associated with autosomal dominant disease. (I) 0201 - Variant is predicted to cause nonsense-mediated decay (NMD) and loss of protein (premature termination codon is located at least 54 nucleotides upstream of the final exon-exon junction). (SP) 0251 - This variant is heterozygous. (I) 0301 - Variant is absent from gnomAD (both v2 and v3). (SP) 0701 - Many other NMD-predicted variants comparable to the one identified in this case have very strong previous evidence for pathogenicity (DECIPHER). (SP) 0803 - This variant has limited previous evidence of pathogenicity in an unrelated individual. This variant has been identified in an individual with Wiedemann-Steiner Syndrome (PMID: 30305169). (SP) 0905 - No published segregation evidence has been identified for this variant. (I) 1007 - No published functional evidence has been identified for this variant. (SP) Legend: (SP) - Supporting pathogenic, (I) - Information, (SB) - Supporting benign

Literature cited by the submitters: PubMed 30305169.